The following is an entry in ClinVar:

NM_001655.5(ARCN1):c.1147T>C (p.Ser383Pro)

Gene: ARCN1 (archain 1 coat protein complex I subunit delta; plus strand). Cytogenetic location: 11q23.3.
Variant type: single nucleotide variant.
Coding change: c.1147T>C on transcript NM_001655.5 (MANE Select); coding-DNA position 1147, T replaced by C.
Protein change: p.Ser383Pro; replaces serine 383 with proline.
Molecular consequence: missense variant.
Genome position (GRCh38, 1-based): chr11:118,593,604, T>C. VCF-style: chr11-118593604-T-C. GRCh37 (hg19) VCF-style: chr11-118464319-T-C.
Other names: c.883T>C, p.Ser295Pro (NM_001142281.2); short protein forms S295P, S383P.
Identifiers: ClinVar variation 2401664 (VCV002401664.4), dbSNP rs782272141, ClinGen allele CA229546780.

ClinVar aggregate classification (germline): Uncertain significance. Review status: criteria provided, multiple submitters, no conflicts (2 of 4 stars). 2 submissions from 2 submitters: Uncertain significance (2). Last evaluated 2025-10-09.

Conditions:
Inborn genetic diseases. Identifiers: MedGen C0950123, MeSH D030342.

Allele frequency attached by ClinVar (database versions not stated): gnomAD exomes 0.00001; TOPMed 0.00002; gnomAD 0.00003.
gnomAD v4.1: 25 of 1,612,262 alleles (0.0016%); highest among the groups gnomAD compares: African/African-American, 0.0027%; no homozygotes.

Submissions (2):

Labcorp Genetics (formerly Invitae), Labcorp
Classification: Uncertain significance. Last evaluated: 2025-10-09. Review status: criteria provided, single submitter. Criteria: Invitae Variant Classification Sherloc (09022015). Collection method: clinical testing. Allele origin: germline.
Comment: This sequence change replaces serine, which is neutral and polar, with proline, which is neutral and non-polar, at codon 383 of the ARCN1 protein (p.Ser383Pro). This variant is not present in population databases (gnomAD no frequency). This variant has not been reported in the literature in individuals affected with ARCN1-related conditions. ClinVar contains an entry for this variant (Variation ID: 2401664). An algorithm developed to predict the effect of missense changes on protein structure and function (PolyPhen-2) suggests that this variant is likely to be disruptive. In summary, the available evidence is currently insufficient to determine the role of this variant in disease. Therefore, it has been classified as a Variant of Uncertain Significance.

Ambry Genetics
Classification: Uncertain significance for Inborn genetic diseases. Last evaluated: 2025-06-18. Review status: criteria provided, single submitter. Criteria: Ambry Variant Classification Scheme 2023. Collection method: clinical testing. Allele origin: germline.